The following is an entry in ClinVar:

NM_152703.5(SAMD9L):c.3408T>G (p.Asp1136Glu)

Gene: SAMD9L (sterile alpha motif domain containing 9 like; minus strand). Cytogenetic location: 7q21.2.
Variant type: single nucleotide variant.
Coding change: c.3408T>G on transcript NM_152703.5 (MANE Select); coding-DNA position 3408, T replaced by G.
Protein change: p.Asp1136Glu; replaces aspartic acid 1136 with glutamic acid.
Molecular consequence: missense variant.
Genome position (GRCh38, 1-based): chr7:93,132,564, A>C on the plus strand (T>G on the coding strand, the complement: SAMD9L is on the minus strand). VCF-style: chr7-93132564-A-C. GRCh37 (hg19) VCF-style: chr7-92761877-A-C.
Other names: c.3408T>G, p.Asp1136Glu (NM_001303496.3, NM_001303497.3, NM_001303498.3 and 5 more transcripts); c.3408T>G (NM_152703.2); short protein forms D1136E.
Identifiers: ClinVar variation 1409144 (VCV001409144.7), dbSNP rs2116479518, ClinGen allele CA368182679.
Genomic context (GRCh38, chr7:93,132,564, plus strand): 5'-CGCAGCTTCTAGGAGATGTGTTAGGTCATTAACAGTAATGCTCCTACAGTTTTTGTTCCC[A>C]TCCAACCACCATTTGATTTCACTTTTGTAGACTTGACCTAGTGTATCTGAAATATAGGAA-3'
Protein context (NP_689916.2, residues 1126-1146): VYKSEIKWWL[Asp1136Glu]GNKNCRSITV

ClinVar aggregate classification (germline): Uncertain significance. Review status: criteria provided, multiple submitters, no conflicts (2 of 4 stars). 2 submissions from 2 submitters: Uncertain significance (2). Last evaluated 2025-05-29.

Conditions:
Inborn genetic diseases. Identifiers: MedGen C0950123, MeSH D030342.

Submissions (2):

Ambry Genetics
Classification: Uncertain significance for Inborn genetic diseases. Last evaluated: 2025-05-29. Review status: criteria provided, single submitter. Criteria: Ambry Variant Classification Scheme 2023. Collection method: clinical testing. Allele origin: germline.
Comment: The p.D1136E variant (also known as c.3408T>G), located in coding exon 1 of the SAMD9L gene, results from a T to G substitution at nucleotide position 3408. The aspartic acid at codon 1136 is replaced by glutamic acid, an amino acid with highly similar properties. This amino acid position is conserved. In addition, this alteration is predicted to be tolerated by in silico analysis. Based on the available evidence, the clinical significance of this variant remains unclear.

Labcorp Genetics (formerly Invitae), Labcorp
Classification: Uncertain significance. Last evaluated: 2021-02-14. Review status: criteria provided, single submitter. Criteria: Invitae Variant Classification Sherloc (09022015). Collection method: clinical testing. Allele origin: germline.
Comment: In summary, the available evidence is currently insufficient to determine the role of this variant in disease. Therefore, it has been classified as a Variant of Uncertain Significance. Algorithms developed to predict the effect of missense changes on protein structure and function output the following: SIFT: "Not Available"; PolyPhen-2: "Benign"; Align-GVGD: "Not Available". The glutamic acid amino acid residue is found in multiple mammalian species, suggesting that this missense change does not adversely affect protein function. These predictions have not been confirmed by published functional studies and their clinical significance is uncertain. This variant has not been reported in the literature in individuals with SAMD9L-related conditions. This variant is not present in population databases (ExAC no frequency). This sequence change replaces aspartic acid with glutamic acid at codon 1136 of the SAMD9L protein (p.Asp1136Glu). The aspartic acid residue is moderately conserved and there is a small physicochemical difference between aspartic acid and glutamic acid.